The following is an entry in ClinVar:

NM_003620.4(PPM1D):c.1271_1272del (p.Glu424fs)

Gene: PPM1D (protein phosphatase, Mg2+/Mn2+ dependent 1D; plus strand). Cytogenetic location: 17q23.2.
Variant type: Deletion.
Coding change: c.1271_1272del on transcript NM_003620.4 (MANE Select); coding-DNA positions 1271 to 1272, 2 bases deleted (AG; older notation c.1271_1272delAG).
Protein change: p.Glu424fs; shifts the reading frame from glutamic acid 424.
Molecular consequence: frameshift variant.
Genome position (GRCh38, 1-based): chr17:60,663,005-60,663,006, AG deleted; deleting any 2 consecutive bases within chr17:60,663,004-60,663,006 gives the same sequence; the c. name uses the placement nearest the transcript's 3' end. VCF-style (leftmost placement, unchanged base first): chr17-60663003-GGA-G. GRCh37 (hg19) VCF-style: chr17-58740364-GGA-G.
Other names: short protein forms E424fs.
Identifiers: ClinVar variation 966103 (VCV000966103.9), dbSNP rs2031551570, ClinGen allele CA1139665758.

ClinVar aggregate classification (germline): Likely pathogenic (1 of 4 stars; one submission).

Submission:

Labcorp Genetics (formerly Invitae), Labcorp
Classification: Likely pathogenic. Last evaluated: 2019-10-14. Review status: criteria provided, single submitter. Criteria: Invitae Variant Classification Sherloc (09022015). Collection method: clinical testing. Allele origin: germline.
Comment: This sequence change results in a premature translational stop signal in the PPM1D gene (p.Glu424Glyfs*9). While this is not anticipated to result in nonsense mediated decay, it is expected to disrupt the last 182 amino acids of the PPM1D protein. This variant is not present in population databases (ExAC no frequency). This variant has been observed in individual(s) with clinical features of syndromic intellectual disability (Invitae). In at least one individual the variant was observed to be de novo. In summary, the currently available evidence indicates that the variant is pathogenic, but additional data are needed to prove that conclusively. Therefore, this variant has been classified as Likely Pathogenic.